The following is an entry in ClinVar:

NM_001854.4(COL11A1):c.456C>T (p.Pro152=)

Gene: COL11A1 (collagen type XI alpha 1 chain; minus strand). Cytogenetic location: 1p21.1.
Variant type: single nucleotide variant.
Coding change: c.456C>T on transcript NM_001854.4 (MANE Select); coding-DNA position 456, C replaced by T.
Protein change: p.Pro152=; no amino-acid change (proline 152 retained).
Molecular consequence: synonymous variant. On other transcripts: non-coding transcript variant (1).
Genome position (GRCh38, 1-based): chr1:103,078,690, G>A on the plus strand (C>T on the coding strand, the complement: COL11A1 is on the minus strand). VCF-style: chr1-103078690-G-A. GRCh37 (hg19) VCF-style: chr1-103544246-G-A.
Other names: c.456C>T, p.Pro152= (NM_001190709.2, NM_080629.3, NM_080630.4).
Identifiers: ClinVar variation 731001 (VCV000731001.17), dbSNP rs751512442, ClinGen allele CA975462.

ClinVar aggregate classification (germline): Conflicting classifications of pathogenicity. Review status: criteria provided, conflicting classifications (1 of 4 stars). 6 submissions from 5 submitters: Uncertain significance (2); Likely benign (3). 1 of the submissions does not count toward it. Last evaluated 2026-02-01.

Conditions:
Fibrochondrogenesis 1 (FBCG1). Identifiers: Orphanet 2021, MedGen C3278138, MONDO:0009226, OMIM 228520.
COL11A1-related disorder. Also called: COL11A1-related condition; COL11A1-related disorders.
Stickler syndrome type 2 (STL2). Also called: COL11A1-Related Stickler Syndrome; STICKLER SYNDROME, BEADED VITREOUS TYPE; STICKLER SYNDROME, VITREOUS TYPE 2; STICKLER SYNDROME, TYPE II. Identifiers: Orphanet 828, Orphanet 90654, MedGen C1858084, MONDO:0011493, OMIM 604841.

Allele frequency attached by ClinVar (database versions not stated): ExAC 0.00003; gnomAD exomes 0.00004; gnomAD 0.00007 and 0.00008; TOPMed 0.00009.
gnomAD v4.1: 72 of 1,613,192 alleles (0.0045%); highest among the groups gnomAD compares: Admixed American, 0.018%; no homozygotes.

Submissions (6):

Labcorp Genetics (formerly Invitae), Labcorp
Classification: Likely benign. Last evaluated: 2026-02-01. Review status: criteria provided, single submitter. Criteria: Invitae Variant Classification Sherloc (09022015). Collection method: clinical testing. Allele origin: germline.

ARUP Laboratories, Molecular Genetics and Genomics, ARUP Laboratories
Classification: Likely benign. Last evaluated: 2023-03-22. Review status: criteria provided, single submitter. Criteria: ARUP Molecular Germline Variant Investigation Process 2024. Collection method: clinical testing. Allele origin: germline.

GeneDx
Classification: Likely benign. Last evaluated: 2020-08-14. Review status: criteria provided, single submitter. Criteria: GeneDx Variant Classification Process June 2021. Collection method: clinical testing. Allele origin: germline. Affected: yes.

Illumina Laboratory Services, Illumina
Classification: Uncertain significance for Fibrochondrogenesis 1. Last evaluated: 2018-01-13. Review status: criteria provided, single submitter. Criteria: ICSL Variant Classification Criteria 13 December 2019. Collection method: clinical testing. Allele origin: germline.

Illumina Laboratory Services, Illumina
Classification: Uncertain significance for Stickler syndrome type 2. Last evaluated: 2018-01-13. Review status: criteria provided, single submitter. Criteria: ICSL Variant Classification Criteria 13 December 2019. Collection method: clinical testing. Allele origin: germline.

PreventionGenetics, part of Exact Sciences
Classification: Likely benign for COL11A1-related condition. Last evaluated: 2019-10-25. Review status: no assertion criteria provided. Collection method: clinical testing. Allele origin: germline. Not counted in ClinVar's aggregate classification.
Comment: This variant is classified as likely benign based on ACMG/AMP sequence variant interpretation guidelines (Richards et al. 2015 PMID: 25741868, with internal and published modifications).